The following is an entry in ClinVar:

ClinVar aggregate classification (germline): Likely benign. Review status: criteria provided, multiple submitters, no conflicts (2 of 4 stars). 4 submissions from 4 submitters: Likely benign (4). Last evaluated 2026-08-01.

Conditions:
H syndrome. Also called: Asrar Facharzt Haque syndrome; HISTIOCYTOSIS AND LYMPHADENOPATHY WITH OR WITHOUT CUTANEOUS, CARDIAC, AND/OR ENDOCRINE FEATURES, JOINT CONTRACTURES, AND/OR DEAFNESS; HYPERPIGMENTATION, CUTANEOUS, WITH HYPERTRICHOSIS, HEPATOSPLENOMEGALY, HEART ANOMALIES, AND HYPOGONADISM WITH OR WITHOUT HEARING LOSS; PIGMENTED HYPERTRICHOSIS WITH INSULIN-DEPENDENT DIABETES MELLITUS; ROSAI-DORFMAN DISEASE, FAMILIAL; SINUS HISTIOCYTOSIS AND MASSIVE LYMPHADENOPATHY. Identifiers: Orphanet 168569, MedGen C1864445, MONDO:0011273, OMIM 602782.
SLC29A3-related disorder. Also called: SLC29A3-related condition.

Allele frequency attached by ClinVar (database versions not stated): gnomAD 0.00001 and 0.00003; TOPMed 0.00003; gnomAD exomes 0.00004 and 0.00008; ExAC 0.00009.
gnomAD v4.1: 55 of 1,614,076 alleles (0.0034%); highest among the groups gnomAD compares: South Asian, 0.035%; no homozygotes.

Submissions (4):

CeGaT Center for Human Genetics Tuebingen
Classification: Likely benign. Last evaluated: 2026-08-01. Review status: criteria provided, single submitter. Criteria: CeGaT Center For Human Genetics Tuebingen Variant Classification Criteria Version 2. Collection method: clinical testing. Allele origin: germline. Affected: yes. Observed: 1 variant allele.
Comment: SLC29A3: BP4, BP7

PreventionGenetics, part of Exact Sciences
Classification: Likely benign for SLC29A3-related condition. Last evaluated: 2025-12-23. Review status: criteria provided, single submitter. Criteria: ACMG Guidelines, 2015. Collection method: clinical testing. Allele origin: germline.
Comment: This variant is classified as likely benign based on ACMG/AMP sequence variant interpretation guidelines (Richards et al. 2015 PMID: 25741868, with internal and published modifications).

Labcorp Genetics (formerly Invitae), Labcorp
Classification: Likely benign for H syndrome. Last evaluated: 2025-12-06. Review status: criteria provided, single submitter. Criteria: Invitae Variant Classification Sherloc (09022015). Collection method: clinical testing. Allele origin: germline.

Blueprint Genetics
Classification: Likely benign. Last evaluated: 2024-07-22. Review status: criteria provided, single submitter. Criteria: ACMG Guidelines, 2015. Collection method: clinical testing. Allele origin: germline.

NM_018344.6(SLC29A3):c.1278C>T (p.Asn426=)

Gene: SLC29A3 (solute carrier family 29 member 3; plus strand). Cytogenetic location: 10q22.1.
Variant type: single nucleotide variant.
Coding change: c.1278C>T on transcript NM_018344.6 (MANE Select); coding-DNA position 1278, C replaced by T.
Protein change: p.Asn426=; no amino-acid change (asparagine 426 retained).
Molecular consequence: synonymous variant. On other transcripts: 3 prime UTR variant (1), non-coding transcript variant (2).
Genome position (GRCh38, 1-based): chr10:71,362,458, C>T. VCF-style: chr10-71362458-C-T. GRCh37 (hg19) VCF-style: chr10-73122215-C-T.
Other names: c.1278C>T (NM_018344.5); c.*507C>T (NM_001174098.2); c.1044C>T, p.Asn348= (NM_001363518.2).
Identifiers: ClinVar variation 1157816 (VCV001157816.12), dbSNP rs764543735, ClinGen allele CA5543172.